The following is an entry in ClinVar:

NM_001122752.2(SERPINI1):c.982A>C (p.Asn328His)

Gene: SERPINI1 (serpin family I member 1; plus strand). Cytogenetic location: 3q26.1.
Variant type: single nucleotide variant.
Coding change: c.982A>C on transcript NM_001122752.2 (MANE Select); coding-DNA position 982, A replaced by C.
Protein change: p.Asn328His; replaces asparagine 328 with histidine.
Molecular consequence: missense variant.
Genome position (GRCh38, 1-based): chr3:167,822,988, A>C. VCF-style: chr3-167822988-A-C. GRCh37 (hg19) VCF-style: chr3-167540776-A-C.
Other names: c.982A>C, p.Asn328His (NM_005025.5); short protein forms N328H.
Identifiers: ClinVar variation 1982055 (VCV001982055.4), dbSNP rs997668232, ClinGen allele CA355157589.
Genomic context (GRCh38, chr3:167,822,988, plus strand): 5'-GCAAAATATTTTCCTATCTCTGAATGAAAAAAAAAAATTTCTGATTCTCTTTTTGCAGAT[A>C]ATAAGGAGATTTTTCTTTCCAAAGCAATTCACAAGTCCTTCCTAGAGGTTAATGAAGAAG-3'
Protein context (NP_001116224.1, residues 318-338): KDANLTGLSD[Asn328His]KEIFLSKAIH

ClinVar aggregate classification (germline): Uncertain significance (1 of 4 stars; one submission).

Conditions:
Familial encephalopathy with neuroserpin inclusion bodies. Also called: ENCEPHALOPATHY, FAMILIAL, WITH COLLINS BODIES. Identifiers: Orphanet 85110, MedGen C1858680, MONDO:0011412, OMIM 604218.

Allele frequency attached by ClinVar (database versions not stated): gnomAD 0.00001.
gnomAD v4.1: 2 of 1,586,880 alleles (0.00013%); highest among the groups gnomAD compares: African/African-American, 0.0013%; no homozygotes.

Submission:

Labcorp Genetics (formerly Invitae), Labcorp
Classification: Uncertain significance for Familial encephalopathy with neuroserpin inclusion bodies. Last evaluated: 2022-08-31. Review status: criteria provided, single submitter. Criteria: Invitae Variant Classification Sherloc (09022015). Collection method: clinical testing. Allele origin: germline.
Comment: In summary, the available evidence is currently insufficient to determine the role of this variant in disease. Therefore, it has been classified as a Variant of Uncertain Significance. Algorithms developed to predict the effect of missense changes on protein structure and function (SIFT, PolyPhen-2, Align-GVGD) all suggest that this variant is likely to be tolerated. This variant has not been reported in the literature in individuals affected with SERPINI1-related conditions. This variant is not present in population databases (gnomAD no frequency). This sequence change replaces asparagine, which is neutral and polar, with histidine, which is basic and polar, at codon 328 of the SERPINI1 protein (p.Asn328His).